The following is an entry in ClinVar:

NM_000238.4(KCNH2):c.2145G>A (p.Ala715=)

Gene: KCNH2 (potassium voltage-gated channel subfamily H member 2; minus strand). Cytogenetic location: 7q36.1.
Variant type: single nucleotide variant.
Coding change: c.2145G>A on transcript NM_000238.4 (MANE Select); coding-DNA position 2145, G replaced by A.
Protein change: p.Ala715=; no amino-acid change (alanine 715 retained).
Molecular consequence: synonymous variant. On other transcripts: non-coding transcript variant (2).
Genome position (GRCh38, 1-based): chr7:150,950,921, C>T on the plus strand (G>A on the coding strand, the complement: KCNH2 is on the minus strand). VCF-style: chr7-150950921-C-T. GRCh37 (hg19) VCF-style: chr7-150648009-C-T.
Other names: p.A715A:GCG>GCA; c.1125G>A, p.Ala375= (NM_001204798.2, NM_172057.3); c.1857G>A, p.Ala619= (NM_001406753.1, NM_001406756.1); c.1968G>A, p.Ala656= (NM_001406755.1); c.1845G>A, p.Ala615= (NM_001406757.1); c.2145G>A, p.Ala715= (NM_172056.3).
Identifiers: ClinVar variation 200415 (VCV000200415.43), dbSNP rs794728384, ClinGen allele CA006279.

ClinVar aggregate classification (germline): Conflicting classifications of pathogenicity. Review status: criteria provided, conflicting classifications (1 of 4 stars). 7 submissions from 7 submitters: Pathogenic (2); Likely pathogenic (2); Uncertain significance (3). Last evaluated 2026-03-26.

Conditions:
KCNH2-related disorder. Also called: KCNH2-related condition; KCNH2-related disorders.
Cardiovascular phenotype. Identifiers: MedGen CN230736.
Cardiac arrhythmia. Also called: Arrhythmia; Cardiac rhythm disease. Identifiers: MedGen C0003811, MONDO:0007263, HP:0011675.
Long QT syndrome (LQTS). Identifiers: MedGen C0023976, MeSH D008133, MONDO:0002442. Disease mechanism: loss of function. Inheritance: Various modes of inheritance.
Long QT syndrome 2 (LQT2). Identifiers: Orphanet 101016, Orphanet 768, MedGen C3150943, MONDO:0013367, OMIM 613688.

Allele frequency attached by ClinVar (database versions not stated): gnomAD exomes below 0.00001.
gnomAD v4.1: 4 of 1,614,044 alleles (0.00025%); highest among the groups gnomAD compares: Non-Finnish European, 0.00025%; no homozygotes.

Submissions (7):

Ambry Genetics
Classification: Uncertain significance for Cardiovascular phenotype. Last evaluated: 2026-03-26. Review status: criteria provided, single submitter. Criteria: Ambry Variant Classification Scheme 2023. Collection method: clinical testing. Allele origin: germline.
Comment: The c.2145G>A variant (also known as p.A715A), located in coding exon 8 of the KCNH2 gene, results from a G to A substitution at nucleotide position 2145. This nucleotide substitution does not change the at codon 715. However, this change occurs in the last base pair of coding exon 8, which makes it likely to have some effect on normal mRNA splicing. This variant was reported in individual(s) with features consistent with long QT syndrome (LQTS) (Tester DJ et al. Heart Rhythm, 2005 May;2:507-17; Kapplinger JD et al. Heart Rhythm, 2009 Sep;6:1297-303; Kapa S et al. Circulation, 2009 Nov;120:1752-60). This alteration was also reported in family members of a sudden arrhythmic death case, as well as in an individual with QTc of 465ms and a history of fetal bradycardia (McGorrian C et al. Europace, 2013 Jul;15:1050-8; Cuneo BF et al. Circ Arrhythm Electrophysiol, 2013 Oct;6:946-51). This nucleotide position is not well conserved in available vertebrate species. In silico splice site analysis predicts that this alteration may result in the creation or strengthening of a novel splice donor site. Based on the available evidence, the clinical significance of this variant remains unclear.

Labcorp Genetics (formerly Invitae), Labcorp
Classification: Pathogenic for Long QT syndrome. Last evaluated: 2024-09-27. Review status: criteria provided, single submitter. Criteria: Invitae Variant Classification Sherloc (09022015). Collection method: clinical testing. Allele origin: germline.
Comment: This sequence change affects codon 715 of the KCNH2 mRNA. It is a 'silent' change, meaning that it does not change the encoded amino acid sequence of the KCNH2 protein. This variant also falls at the last nucleotide of exon 8, which is part of the consensus splice site for this exon. This variant is present in population databases (rs794728384, gnomAD 0.0009%). This variant has been observed in individuals with long QT syndrome (PMID: 19716085, 19841300; internal data). It has also been observed to segregate with disease in related individuals. ClinVar contains an entry for this variant (Variation ID: 200415). Variants that disrupt the consensus splice site are a relatively common cause of aberrant splicing (PMID: 17576681, 9536098). Studies have shown that this variant alters mRNA splicing and is expected to lead to the loss of protein expression (PMID: 36197721). For these reasons, this variant has been classified as Pathogenic.

CeGaT Center for Human Genetics Tuebingen
Classification: Uncertain significance. Last evaluated: 2024-01-01. Review status: criteria provided, single submitter. Criteria: CeGaT Center For Human Genetics Tuebingen Variant Classification Criteria Version 2. Collection method: clinical testing. Allele origin: germline. Affected: yes. Observed: 1 variant allele.
Comment: KCNH2: PM2, PS4:Moderate, PS3:Supporting, BP4

Color Diagnostics, LLC DBA Color Health
Classification: Likely pathogenic for Cardiac arrhythmia. Last evaluated: 2023-06-21. Review status: criteria provided, single submitter. Criteria: ACMG Guidelines, 2015. Collection method: clinical testing. Allele origin: germline.
Comment: This synonymous variant alters the conserved c.G at the last nucleotide of exon 8 of the KCNH2 gene. A functional study with minigene assay has shown that this variant causes significantly increased exon 8 skipping while a reduction of canonical transcript compared to wild type control (PMID: 36197721). As a result, this variant creates a frameshift and premature translation stop signal and is expected to result in an absent or non-functional protein product. This variant has been reported in at least six unrelated individuals affected with long QT syndrome (PMID: 19841300, 23124029, 23382499, 23995044, 32893267, 36138163, ClinVar SCV000543451.7) and in a few individuals suspected of having long QT syndrome (PMID: 19716085). This variant has not been identified in the general population by the Genome Aggregation Database (gnomAD). Based on the available evidence, this variant is classified as Likely Pathogenic.

Roden Lab, Vanderbilt University Medical Center
Classification: Likely pathogenic for Long QT syndrome 2. Last evaluated: 2022-10-05. Review status: criteria provided, single submitter. Criteria: ACMG Guidelines, 2015. Collection method: research, in vitro. Allele origin: unknown, not applicable. Functional consequence: sequence_variant_affecting_splicing.
Comment: The KCNH2 variant c.2145G>A was observed in 2 cases of LQTS and is absent from large population databases (PMID: 32893267). Minigene functional studies revealed aberrant splicing in the presence of this alternative allele. Collectively, this evidence supports a Likely Pathogenic classification.

GeneDx
Classification: Uncertain significance. Last evaluated: 2020-04-10. Review status: criteria provided, single submitter. Criteria: GeneDx Variant Classification Process June 2021. Collection method: clinical testing. Allele origin: germline. Affected: yes.
Comment: Observed in several individuals with a prolonged QT interval and/or LQTS in published literature (Tester et al., 2005; Kapa et al., 2009; Kapplinger et al., 2009; Mitchel et al., 2012; Cuneo et al., 2013); Not observed at a significant frequency in large population cohorts (Lek et al., 2016); Reported in ClinVar as a variant of uncertain significance (ClinVar Variant ID# 200415; Landrum et al., 2016); In silico analysis, which includes splice predictors and evolutionary conservation, suggests this variant may impact gene splicing; however, in the absence of RNA/functional studies, the actual effect of this sequence change is unknown; This variant is associated with the following publications: (PMID: 19716085, 23124029, 19841300, 15840476, 23995044)

Blueprint Genetics
Classification: Pathogenic for KCNH2-related disorders. Last evaluated: 2020-01-21. Review status: criteria provided, single submitter. Criteria: ACMG Guidelines, 2015. Collection method: clinical testing. Allele origin: germline. Affected: yes. Observed: 5 variant alleles.

Literature cited by the submitters: PubMed 15840476 (cited by Ambry Genetics); PubMed 19716085 (cited by 3 submitters); PubMed 19841300 (cited by 3 submitters); PubMed 23382499 (cited by Ambry Genetics and Color Diagnostics, LLC DBA Color Health); PubMed 23995044 (cited by Ambry Genetics and Color Diagnostics, LLC DBA Color Health); PubMed 36197721 (cited by 4 submitters); PubMed 17576681 (cited by Labcorp Genetics (formerly Invitae), Labcorp); PubMed 9536098 (cited by Labcorp Genetics (formerly Invitae), Labcorp); PubMed 23124029 (cited by Color Diagnostics, LLC DBA Color Health); PubMed 32893267 (cited by Color Diagnostics, LLC DBA Color Health); PubMed 36138163 (cited by Color Diagnostics, LLC DBA Color Health).